The following is an entry in ClinVar:

ClinVar aggregate classification (germline): Uncertain significance. Review status: criteria provided, multiple submitters, no conflicts (2 of 4 stars). 2 submissions from 2 submitters: Uncertain significance (2). Last evaluated 2024-07-30.

Submissions (2):

GeneDx
Classification: Uncertain significance. Last evaluated: 2024-07-30. Review status: criteria provided, single submitter. Criteria: GeneDx Variant Classification Process June 2021. Collection method: clinical testing. Allele origin: germline. Affected: yes.
Comment: Reported in association with dyslipidemia in published literature (PMID: 32041611); however, patient clinical information not provided; In-frame deletion of 1 amino acid in a non-repeat region; In silico analysis supports a deleterious effect on protein structure/function; This variant is associated with the following publications: (PMID: 32041611)

Labcorp Genetics (formerly Invitae), Labcorp
Classification: Uncertain significance. Last evaluated: 2023-03-14. Review status: criteria provided, single submitter. Criteria: Invitae Variant Classification Sherloc (09022015). Collection method: clinical testing. Allele origin: germline.
Comment: In summary, the available evidence is currently insufficient to determine the role of this variant in disease. Therefore, it has been classified as a Variant of Uncertain Significance. Experimental studies and prediction algorithms are not available or were not evaluated, and the functional significance of this variant is currently unknown. This variant has been observed in individual(s) with clinical features of dyslipidemia (PMID: 32041611). This variant is present in population databases (rs766417133, gnomAD 0.05%). This variant, c.269_271del, results in the deletion of 1 amino acid(s) of the NEUROD1 protein (p.Lys90del), but otherwise preserves the integrity of the reading frame.

Literature cited by the submitters: PubMed 32041611 (cited by Labcorp Genetics (formerly Invitae), Labcorp).

NM_002500.5(NEUROD1):c.263AGA[2] (p.Lys90del)

Gene: NEUROD1 (neuronal differentiation 1; minus strand). Cytogenetic location: 2q31.3.
Variant type: Microsatellite.
Coding change: c.263AGA[2] on transcript NM_002500.5 (MANE Select); two copies in a row of the 3-base unit AGA starting at c.263; the reference has three copies in a row; one copy, 3 bases deleted; also written c.269_271del.
Protein change: p.Lys90del; deletes lysine 90.
Molecular consequence: inframe deletion.
Genome position (GRCh38, 1-based): chr2:181,678,590-181,678,592, TCT deleted on the plus strand (AGA on the coding strand, the reverse complement: NEUROD1 is on the minus strand); deleting any 3 consecutive bases within chr2:181,678,590-181,678,599 gives the same sequence; the position shown is the placement nearest the transcript's 3' end. VCF-style (leftmost placement, unchanged base first): chr2-181678589-ATCT-A. GRCh37 (hg19) VCF-style: chr2-182543316-ATCT-A.
Other names: c.269_271del (NM_002500.3); short protein forms K90del.
Identifiers: ClinVar variation 1424537 (VCV001424537.9), dbSNP rs766417133, ClinGen allele CA2011153.